The following is an entry in ClinVar:

ClinVar aggregate classification (germline): Uncertain significance. Review status: criteria provided, multiple submitters, no conflicts (2 of 4 stars). 2 submissions from 2 submitters: Uncertain significance (2). Last evaluated 2025-04-02.

Conditions:
Hereditary diffuse gastric adenocarcinoma (HDGC). Also called: DIFFUSE GASTRIC AND LOBULAR BREAST CANCER SYNDROME. Identifiers: Orphanet 26106, MedGen C1708349, MONDO:0007648, OMIM 137215.
Hereditary cancer-predisposing syndrome. Also called: Tumor predisposition; Neoplastic Syndromes, Hereditary; Hereditary Cancer Syndrome; Hereditary neoplastic syndrome. Identifiers: Orphanet 140162, MedGen C0027672, MeSH D009386, MONDO:0015356.

Allele frequency attached by ClinVar (database versions not stated): gnomAD exomes below 0.00001.
gnomAD v4.1: 1 of 1,613,932 alleles (0.000062%); highest among the groups gnomAD compares: Non-Finnish European, 0.000085%; no homozygotes.

Submissions (2):

Labcorp Genetics (formerly Invitae), Labcorp
Classification: Uncertain significance for Hereditary diffuse gastric adenocarcinoma. Last evaluated: 2025-04-02. Review status: criteria provided, single submitter. Criteria: Invitae Variant Classification Sherloc (09022015). Collection method: clinical testing. Allele origin: germline.
Comment: This sequence change replaces valine, which is neutral and non-polar, with aspartic acid, which is acidic and polar, at codon 266 of the CDH1 protein (p.Val266Asp). This variant is not present in population databases (gnomAD no frequency). This variant has not been reported in the literature in individuals affected with CDH1-related conditions. ClinVar contains an entry for this variant (Variation ID: 2587433). An algorithm developed to predict the effect of missense changes on protein structure and function (PolyPhen-2) suggests that this variant is likely to be disruptive. In summary, the available evidence is currently insufficient to determine the role of this variant in disease. Therefore, it has been classified as a Variant of Uncertain Significance.

Ambry Genetics
Classification: Uncertain significance for Hereditary cancer-predisposing syndrome. Last evaluated: 2025-01-03. Review status: criteria provided, single submitter. Criteria: Ambry Variant Classification Scheme 2023. Collection method: clinical testing. Allele origin: germline.
Comment: The p.V266D variant (also known as c.797T>A), located in coding exon 6 of the CDH1 gene, results from a T to A substitution at nucleotide position 797. The valine at codon 266 is replaced by aspartic acid, an amino acid with highly dissimilar properties. This amino acid position is conserved. In addition, the in silico prediction for this alteration is inconclusive. Since supporting evidence is limited at this time, the clinical significance of this alteration remains unclear.

NM_004360.5(CDH1):c.797T>A (p.Val266Asp)

Gene: CDH1 (cadherin 1; plus strand). Cytogenetic location: 16q22.1.
Variant type: single nucleotide variant.
Coding change: c.797T>A on transcript NM_004360.5 (MANE Select); coding-DNA position 797, T replaced by A.
Protein change: p.Val266Asp; replaces valine 266 with aspartic acid.
Molecular consequence: missense variant. On other transcripts: 5 prime UTR variant (2).
Genome position (GRCh38, 1-based): chr16:68,810,306, T>A. VCF-style: chr16-68810306-T-A. GRCh37 (hg19) VCF-style: chr16-68844209-T-A.
Other names: c.797T>A, p.Val266Asp (NM_001317184.2); c.-819T>A (NM_001317185.2); c.-1023T>A (NM_001317186.2); short protein forms V266D.
Identifiers: ClinVar variation 2587433 (VCV002587433.4), dbSNP rs2152131151, ClinGen allele CA396458818.
Genomic context (GRCh38, chr16:68,810,306, plus strand): 5'-TGGAGATTTTGATCACGGTAACCGATCAGAATGACAACAAGCCCGAATTCACCCAGGAGG[T>A]CTTTAAGGGGTCTGTCATGGAAGGTGCTCTTCCAGGTATATCCACTAATGAGAATCTGAA-3'
Protein context (NP_004351.1, residues 256-276): NDNKPEFTQE[Val266Asp]FKGSVMEGAL